The following is an entry in ClinVar:

NM_001184.4(ATR):c.2617A>G (p.Thr873Ala)

Gene: ATR (ATR checkpoint kinase; minus strand). Cytogenetic location: 3q23.
Variant type: single nucleotide variant.
Coding change: c.2617A>G on transcript NM_001184.4 (MANE Select); coding-DNA position 2617, A replaced by G.
Protein change: p.Thr873Ala; replaces threonine 873 with alanine.
Molecular consequence: missense variant.
Genome position (GRCh38, 1-based): chr3:142,553,656, T>C on the plus strand (A>G on the coding strand, the complement: ATR is on the minus strand). VCF-style: chr3-142553656-T-C. GRCh37 (hg19) VCF-style: chr3-142272498-T-C.
Other names: c.2425A>G, p.Thr809Ala (NM_001354579.2); short protein forms T809A, T873A.
Identifiers: ClinVar variation 4807434 (VCV004807434.1).

ClinVar aggregate classification (germline): Uncertain significance (1 of 4 stars; one submission).

Submission:

Labcorp Genetics (formerly Invitae), Labcorp
Classification: Uncertain significance. Last evaluated: 2025-07-27. Review status: criteria provided, single submitter. Criteria: Invitae Variant Classification Sherloc (09022015). Collection method: clinical testing. Allele origin: germline.
Comment: This sequence change replaces threonine, which is neutral and polar, with alanine, which is neutral and non-polar, at codon 873 of the ATR protein (p.Thr873Ala). This variant is not present in population databases (gnomAD no frequency). This variant has not been reported in the literature in individuals affected with ATR-related conditions. An algorithm developed to predict the effect of missense changes on protein structure and function (PolyPhen-2) suggests that this variant is likely to be disruptive. In summary, the available evidence is currently insufficient to determine the role of this variant in disease. Therefore, it has been classified as a Variant of Uncertain Significance.